The following is an entry in ClinVar:

ClinVar aggregate classification (germline): Likely pathogenic. Review status: criteria provided, multiple submitters, no conflicts (2 of 4 stars). 2 submissions from 2 submitters: Likely pathogenic (2). Last evaluated 2025-02-11.

Conditions:
MEGF10-related myopathy (CMYO10A). Also called: Congenital myopathy 10A, severe variant. Identifiers: Orphanet 439212, MedGen C3280679, MONDO:0013731, OMIM 614399.

gnomAD v4.1: 2 of 1,611,900 alleles (0.00012%); highest among the groups gnomAD compares: Non-Finnish European, 0.00017%; no homozygotes.

Submissions (2):

Labcorp Genetics (formerly Invitae), Labcorp
Classification: Likely pathogenic for MEGF10-related myopathy. Last evaluated: 2025-02-11. Review status: criteria provided, single submitter. Criteria: Invitae Variant Classification Sherloc (09022015). Collection method: clinical testing. Allele origin: germline.
Comment: This sequence change affects a donor splice site in intron 17 of the MEGF10 gene. It is expected to disrupt RNA splicing. Variants that disrupt the donor or acceptor splice site typically lead to a loss of protein function (PMID: 16199547), and loss-of-function variants in MEGF10 are known to be pathogenic (PMID: 22101682, 22371254, 23453856, 23954233). This variant is not present in population databases (gnomAD no frequency). This variant has not been reported in the literature in individuals affected with MEGF10-related conditions. ClinVar contains an entry for this variant (Variation ID: 2441377). Algorithms developed to predict the effect of sequence changes on RNA splicing suggest that this variant may disrupt the consensus splice site. In summary, the currently available evidence indicates that the variant is pathogenic, but additional data are needed to prove that conclusively. Therefore, this variant has been classified as Likely Pathogenic.

Revvity Omics, Revvity
Classification: Likely pathogenic. Last evaluated: 2022-06-30. Review status: criteria provided, single submitter. Criteria: ACMG Guidelines, 2015. Collection method: clinical testing. Allele origin: germline.

Literature cited by the submitters: PubMed 16199547 (cited by Labcorp Genetics (formerly Invitae), Labcorp); PubMed 22101682 (cited by Labcorp Genetics (formerly Invitae), Labcorp); PubMed 22371254 (cited by Labcorp Genetics (formerly Invitae), Labcorp); PubMed 23453856 (cited by Labcorp Genetics (formerly Invitae), Labcorp); PubMed 23954233 (cited by Labcorp Genetics (formerly Invitae), Labcorp).

NM_001256545.2(MEGF10):c.2104+1G>T

Gene: MEGF10 (multiple EGF like domains 10; plus strand). Cytogenetic location: 5q23.2.
Variant type: single nucleotide variant.
Coding change: c.2104+1G>T on transcript NM_001256545.2 (MANE Select); the canonical splice donor site of the intron after coding-DNA position 2104, G replaced by T.
Molecular consequence: splice donor variant.
Genome position (GRCh38, 1-based): chr5:127,435,490, G>T. VCF-style: chr5-127435490-G-T. GRCh37 (hg19) VCF-style: chr5-126771182-G-T.
Other names: c.2104+1G>T (NM_032446.3).
Identifiers: ClinVar variation 2441377 (VCV002441377.4), dbSNP rs1298663120, ClinGen allele CA360732747.